The following is an entry in ClinVar:

ClinVar aggregate classification (germline): Benign. Review status: criteria provided, single submitter (1 of 4 stars). 2 submissions from 2 submitters: Benign (1). 1 of the submissions does not count toward it. Last evaluated 2025-12-14.

Conditions:
Intellectual developmental disorder, X-linked 19. Also called: Intellectual disability, X-linked 19. Identifiers: Orphanet 777, MedGen C0796225, MONDO:0010447, OMIM 300844.
Coffin-Lowry syndrome (CLS). Also called: COFFIN-LOWRY SYNDROME, MILD; Mental retardation with osteocartilaginous abnormalities. Identifiers: Orphanet 192, MedGen C0265252, MONDO:0010561, OMIM 303600.
RPS6KA3-related disorder. Also called: RPS6KA3-related condition.

Allele frequency attached by ClinVar (database versions not stated): ExAC 0.00003; gnomAD exomes 0.00003; TOPMed 0.00004; gnomAD 0.00002.
gnomAD v4.1: 37 of 1,202,328 alleles (0.0031%); highest among the groups gnomAD compares: South Asian, 0.0053%; no homozygotes.

Submissions (2):

Labcorp Genetics (formerly Invitae), Labcorp
Classification: Benign for Coffin-Lowry syndrome; Intellectual developmental disorder, X-linked 19. Last evaluated: 2025-12-14. Review status: criteria provided, single submitter. Criteria: Invitae Variant Classification Sherloc (09022015). Collection method: clinical testing. Allele origin: germline.

PreventionGenetics, part of Exact Sciences
Classification: Likely benign for RPS6KA3-related condition. Last evaluated: 2021-06-28. Review status: no assertion criteria provided. Collection method: clinical testing. Allele origin: germline. Not counted in ClinVar's aggregate classification.
Comment: This variant is classified as likely benign based on ACMG/AMP sequence variant interpretation guidelines (Richards et al. 2015 PMID: 25741868, with internal and published modifications).

NM_004586.3(RPS6KA3):c.1662G>A (p.Pro554=)

Gene: RPS6KA3 (ribosomal protein S6 kinase A3; minus strand). Cytogenetic location: Xp22.12.
Variant type: single nucleotide variant.
Coding change: c.1662G>A on transcript NM_004586.3 (MANE Select); coding-DNA position 1662, G replaced by A.
Protein change: p.Pro554=; no amino-acid change (proline 554 retained).
Molecular consequence: synonymous variant.
Genome position (GRCh38, 1-based): chrX:20,165,001, C>T on the plus strand (G>A on the coding strand, the complement: RPS6KA3 is on the minus strand). VCF-style: chrX-20165001-C-T. GRCh37 (hg19) VCF-style: chrX-20183119-C-T.
Other names: c.1662G>A (NM_004586.2).
Identifiers: ClinVar variation 2922599 (VCV002922599.4), dbSNP rs756922750, ClinGen allele CA10366079.